The following is an entry in ClinVar:

NM_015378.4(VPS13D):c.1271G>T (p.Gly424Val)

Gene: VPS13D (vacuolar protein sorting 13 homolog D; plus strand). Cytogenetic location: 1p36.22.
Variant type: single nucleotide variant.
Coding change: c.1271G>T on transcript NM_015378.4 (MANE Select); coding-DNA position 1271, G replaced by T.
Protein change: p.Gly424Val; replaces glycine 424 with valine.
Molecular consequence: missense variant.
Genome position (GRCh38, 1-based): chr1:12,261,006, G>T. VCF-style: chr1-12261006-G-T. GRCh37 (hg19) VCF-style: chr1-12321063-G-T.
Other names: c.1271G>T, p.Gly424Val (NM_018156.4); c.1271G>T (NM_015378.2); short protein forms G424V.
Identifiers: ClinVar variation 2002433 (VCV002002433.5), dbSNP rs2523944136, ClinGen allele CA338463487.
Genomic context (GRCh38, chr1:12,261,006, plus strand): 5'-AGAGTCTGCGGGAGCCTCAGTTTGATTCTCCAGGAGCCTGTCCGGGAGCCCCAGAACCCG[G>T]TGGAGGCAGTGGGATGCTGCAGTATCTCCAGTCCTGGTTTCCTGGATGGGGTGGCTGGTA-3'
Protein context (NP_056193.2, residues 414-434): PGACPGAPEP[Gly424Val]GGSGMLQYLQ

ClinVar aggregate classification (germline): Uncertain significance. Review status: criteria provided, multiple submitters, no conflicts (2 of 4 stars). 2 submissions from 2 submitters: Uncertain significance (2). Last evaluated 2025-09-24.

Conditions:
Inborn genetic diseases. Identifiers: MedGen C0950123, MeSH D030342.

Submissions (2):

Ambry Genetics
Classification: Uncertain significance for Inborn genetic diseases. Last evaluated: 2025-09-24. Review status: criteria provided, single submitter. Criteria: Ambry Variant Classification Scheme 2023. Collection method: clinical testing. Allele origin: germline.

Labcorp Genetics (formerly Invitae), Labcorp
Classification: Uncertain significance. Last evaluated: 2022-06-04. Review status: criteria provided, single submitter. Criteria: Invitae Variant Classification Sherloc (09022015). Collection method: clinical testing. Allele origin: germline.
Comment: This sequence change replaces glycine, which is neutral and non-polar, with valine, which is neutral and non-polar, at codon 424 of the VPS13D protein (p.Gly424Val). This variant is not present in population databases (gnomAD no frequency). This variant has not been reported in the literature in individuals affected with VPS13D-related conditions. Algorithms developed to predict the effect of missense changes on protein structure and function are either unavailable or do not agree on the potential impact of this missense change (SIFT: "Not Available"; PolyPhen-2: "Benign"; Align-GVGD: "Not Available"). In summary, the available evidence is currently insufficient to determine the role of this variant in disease. Therefore, it has been classified as a Variant of Uncertain Significance.